The following is an entry in ClinVar:

ClinVar aggregate classification (germline): Uncertain significance (1 of 4 stars; one submission).

Conditions:
Hereditary cancer-predisposing syndrome. Also called: Neoplastic Syndromes, Hereditary; Tumor predisposition; Hereditary neoplastic syndrome; Hereditary Cancer Syndrome. Identifiers: Orphanet 140162, MedGen C0027672, MeSH D009386, MONDO:0015356.

Submission:

Ambry Genetics
Classification: Uncertain significance for Hereditary cancer-predisposing syndrome. Last evaluated: 2023-11-18. Review status: criteria provided, single submitter. Criteria: Ambry Variant Classification Scheme 2023. Collection method: clinical testing. Allele origin: germline.
Comment: The p.S611C variant (also known as c.1831A>T), located in coding exon 4 of the MSH6 gene, results from an A to T substitution at nucleotide position 1831. The serine at codon 611 is replaced by cysteine, an amino acid with dissimilar properties. This amino acid position is conserved. In addition, this alteration is predicted to be tolerated by in silico analysis. Since supporting evidence is limited at this time, the clinical significance of this alteration remains unclear.

NM_000179.3(MSH6):c.1831A>T (p.Ser611Cys)

Gene: MSH6 (mutS homolog 6; plus strand). Cytogenetic location: 2p16.3.
Variant type: single nucleotide variant.
Coding change: c.1831A>T on transcript NM_000179.3 (MANE Select); coding-DNA position 1831, A replaced by T.
Protein change: p.Ser611Cys; replaces serine 611 with cysteine.
Molecular consequence: missense variant. On other transcripts: non-coding transcript variant (4), intron variant (2).
Genome position (GRCh38, 1-based): chr2:47,799,814, A>T. VCF-style: chr2-47799814-A-T. GRCh37 (hg19) VCF-style: chr2-48026953-A-T.
Other names: c.1306A>T, p.Ser436Cys (NM_001406807.1, NM_001406799.1, NM_001406806.1); c.1831A>T, p.Ser611Cys (NM_001406808.1, NM_001406809.1, NM_001406796.1 and 3 more transcripts); c.925A>T, p.Ser309Cys (NM_001406811.1, NM_001406812.1, NM_001406814.1 and 6 more transcripts); c.1837A>T, p.Ser613Cys (NM_001406813.1); c.1534A>T, p.Ser512Cys (NM_001406818.1, NM_001406819.1, NM_001406820.1 and 10 more transcripts); c.1663A>T, p.Ser555Cys (NM_001406826.1); c.1606+225A>T (NM_001406817.1); c.628-852A>T (NM_001407362.1); and 3 more; short protein forms S309C, S436C, S481C, S512C, S555C, S585C, S611C, S613C.
Identifiers: ClinVar variation 3230514 (VCV003230514.1), dbSNP rs1669379939, ClinGen allele CA346749550.
Genomic context (GRCh38, chr2:47,799,814, plus strand): 5'-CCAGTACAAGTTTTATTTGAAAAAGGAAATCTCTCAAAGGAAACTAAAACAATTCTAAAG[A>T]GTTCATTGTCCTGTTCTCTTCAGGAAGGTCTGATACCCGGCTCCCAGTTTTGGGATGCAT-3'
Protein context (NP_000170.1, residues 601-621): LSKETKTILK[Ser611Cys]SLSCSLQEGL